The following is an entry in ClinVar:

ClinVar aggregate classification (germline): Uncertain significance. Review status: criteria provided, multiple submitters, no conflicts (2 of 4 stars). 2 submissions from 2 submitters: Uncertain significance (2). Last evaluated 2024-05-21.

Allele frequency attached by ClinVar (database versions not stated): gnomAD 0.00001.

Submissions (2):

Labcorp Genetics (formerly Invitae), Labcorp
Classification: Uncertain significance. Last evaluated: 2024-05-21. Review status: criteria provided, single submitter. Criteria: Invitae Variant Classification Sherloc (09022015). Collection method: clinical testing. Allele origin: germline.
Comment: This sequence change replaces arginine, which is basic and polar, with cysteine, which is neutral and slightly polar, at codon 293 of the TNFRSF6B protein (p.Arg293Cys). The frequency data for this variant in the population databases is considered unreliable, as metrics indicate poor data quality at this position in the gnomAD database. This variant has not been reported in the literature in individuals affected with TNFRSF6B-related conditions. Algorithms developed to predict the effect of missense changes on protein structure and function output the following: SIFT: "Not Available"; PolyPhen-2: "Possibly Damaging"; Align-GVGD: "Not Available". The cysteine amino acid residue is found in multiple mammalian species, which suggests that this missense change does not adversely affect protein function. Algorithms developed to predict the effect of sequence changes on RNA splicing suggest that this variant may create or strengthen a splice site. In summary, the available evidence is currently insufficient to determine the role of this variant in disease. Therefore, it has been classified as a Variant of Uncertain Significance.

Ambry Genetics
Classification: Uncertain significance. Last evaluated: 2024-01-02. Review status: criteria provided, single submitter. Criteria: Ambry Variant Classification Scheme 2023. Collection method: clinical testing. Allele origin: germline.

NM_003823.4(TNFRSF6B):c.877C>T (p.Arg293Cys)

Genes: RTEL1-TNFRSF6B (RTEL1-TNFRSF6B readthrough (NMD candidate); plus strand), TNFRSF6B (TNF receptor superfamily member 6b; plus strand). Cytogenetic location: 20q13.33.
Variant type: single nucleotide variant.
Coding change: c.877C>T on transcript NM_003823.4 (MANE Select); coding-DNA position 877, C replaced by T.
Protein change: p.Arg293Cys; replaces arginine 293 with cysteine.
Molecular consequence: missense variant. On other transcripts: non-coding transcript variant (1).
Genome position (GRCh38, 1-based): chr20:63,698,537, C>T. VCF-style: chr20-63698537-C-T. GRCh37 (hg19) VCF-style: chr20-62329890-C-T.
Other names: short protein forms R293C.
Identifiers: ClinVar variation 3180296 (VCV003180296.3), dbSNP rs779650602, ClinGen allele CA9966656.